The following is an entry in ClinVar:

NM_020297.4(ABCC9):c.1051G>T (p.Ala351Ser)

Gene: ABCC9 (ATP binding cassette subfamily C member 9; minus strand). Cytogenetic location: 12p12.1.
Variant type: single nucleotide variant.
Coding change: c.1051G>T on transcript NM_020297.4 (MANE Select); coding-DNA position 1051, G replaced by T.
Protein change: p.Ala351Ser; replaces alanine 351 with serine.
Molecular consequence: missense variant.
Genome position (GRCh38, 1-based): chr12:21,910,939, C>A on the plus strand (G>T on the coding strand, the complement: ABCC9 is on the minus strand). VCF-style: chr12-21910939-C-A. GRCh37 (hg19) VCF-style: chr12-22063873-C-A.
Other names: c.1051G>T, p.Ala351Ser (NM_001377273.1, NM_005691.4); c.187G>T, p.Ala63Ser (NM_001377274.1); c.1051G>T (NM_020297.2, NM_005691.2); short protein forms A351S, A63S.
Identifiers: ClinVar variation 1499232 (VCV001499232.10), dbSNP rs375758521, ClinGen allele CA6481736.

ClinVar aggregate classification (germline): Uncertain significance. Review status: criteria provided, multiple submitters, no conflicts (2 of 4 stars). 3 submissions from 3 submitters: Uncertain significance (3). Last evaluated 2026-01-12.

Conditions:
Cardiovascular phenotype. Identifiers: MedGen CN230736.
Dilated cardiomyopathy 1O (CMD1O). Also called: CARDIOMYOPATHY, DILATED, WITH VENTRICULAR TACHYCARDIA. Identifiers: Orphanet 154, MedGen C1837839, MONDO:0012062, OMIM 608569.

Allele frequency attached by ClinVar (database versions not stated): ExAC 0.00002; gnomAD 0.00005; ESP Exome Variant Server 0.00008.
gnomAD v4.1: 8 of 1,612,098 alleles (0.0005%); highest among the groups gnomAD compares: African/African-American, 0.011%; no homozygotes.

Submissions (3):

Labcorp Genetics (formerly Invitae), Labcorp
Classification: Uncertain significance for Dilated cardiomyopathy 1O. Last evaluated: 2026-01-12. Review status: criteria provided, single submitter. Criteria: Invitae Variant Classification Sherloc (09022015). Collection method: clinical testing. Allele origin: germline.
Comment: This sequence change replaces alanine, which is neutral and non-polar, with serine, which is neutral and polar, at codon 351 of the ABCC9 protein (p.Ala351Ser). This variant is present in population databases (rs375758521, gnomAD 0.02%). This variant has not been reported in the literature in individuals affected with ABCC9-related conditions. ClinVar contains an entry for this variant (Variation ID: 1499232). An algorithm developed to predict the effect of missense changes on protein structure and function outputs the following: PolyPhen-2: "Benign". The serine amino acid residue is found in multiple mammalian species, which suggests that this missense change does not adversely affect protein function. In summary, the available evidence is currently insufficient to determine the role of this variant in disease. Therefore, it has been classified as a Variant of Uncertain Significance.

Ambry Genetics
Classification: Uncertain significance for Cardiovascular phenotype. Last evaluated: 2024-12-31. Review status: criteria provided, single submitter. Criteria: Ambry Variant Classification Scheme 2023. Collection method: clinical testing. Allele origin: germline.
Comment: The p.A351S variant (also known as c.1051G>T), located in coding exon 7 of the ABCC9 gene, results from a G to T substitution at nucleotide position 1051. The alanine at codon 351 is replaced by serine, an amino acid with similar properties. This amino acid position is not well conserved in available vertebrate species. In addition, this alteration is predicted to be tolerated by in silico analysis. Based on the available evidence, the clinical significance of this variant remains unclear for ABCC9- related Cantu syndrome; however, it is unlikely to be causative of ABCC9- related neurodevelopmental myopathy syndrome.

GeneDx
Classification: Uncertain significance. Last evaluated: 2024-07-30. Review status: criteria provided, single submitter. Criteria: GeneDx Variant Classification Process June 2021. Collection method: clinical testing. Allele origin: germline. Affected: yes.
Comment: Has not been previously published as pathogenic or benign to our knowledge; Not observed at significant frequency in large population cohorts (gnomAD); In silico analysis indicates that this missense variant does not alter protein structure/function